The following is an entry in ClinVar:

NM_000264.5(PTCH1):c.559del (p.Arg187fs)

Gene: PTCH1 (patched 1; minus strand). Cytogenetic location: 9q22.32.
Variant type: Deletion.
Coding change: c.559del on transcript NM_000264.5 (MANE Select); coding-DNA position 559, one base deleted (C; older notation c.559delC).
Protein change: p.Arg187fs; shifts the reading frame from arginine 187.
Molecular consequence: frameshift variant. On other transcripts: non-coding transcript variant (1).
Genome position (GRCh38, 1-based): chr9:95,485,710, G deleted on the plus strand (C on the coding strand, the reverse complement: PTCH1 is on the minus strand); the first of 2 consecutive G bases (chr9:95,485,710-95,485,711); deleting either gives the same sequence. VCF-style (leftmost placement, unchanged base first): chr9-95485709-CG-C. GRCh37 (hg19) VCF-style: chr9-98247991-CG-C.
Other names: c.361del, p.Arg121fs (NM_001083602.3, NM_001354919.2); c.556del, p.Arg186fs (NM_001083603.3); c.106del, p.Arg36fs (NM_001083604.3, NM_001083605.3, NM_001083606.3 and 1 more transcripts); c.559del, p.Arg187fs (NM_001354918.2); short protein forms R121fs, R186fs, R187fs, R36fs.
Identifiers: ClinVar variation 1705729 (VCV001705729.1), dbSNP rs2538266790, ClinGen allele CA2580081050.

ClinVar aggregate classification (germline): Likely pathogenic (1 of 4 stars; one submission).

Conditions:
Gorlin syndrome. Also called: Nevoid Basal Cell Carcinoma Syndrome; Basal cell nevus syndrome. Identifiers: Orphanet 377, MedGen C0004779, MONDO:0007187.

Submission:

3billion
Classification: Likely pathogenic for Basal cell nevus syndrome 1. Last evaluated: 2022-09-01. Review status: criteria provided, single submitter. Criteria: ACMG Guidelines, 2015. Collection method: clinical testing. Allele origin: germline. Affected: yes. Observed: 1 heterozygote.
Comment: The variant is not observed in the gnomAD v2.1.1 dataset. It is predicted to result in a loss or disruption of normal protein function through nonsense-mediated decay (NMD) or protein truncation. Multiple pathogenic variants are reported downstream of the variant. Therefore, this variant is classified as Likely pathogenic according to the recommendation of ACMG/AMP guideline.